The following is an entry in ClinVar:

ClinVar aggregate classification (germline): Likely pathogenic (1 of 4 stars; one submission).

Conditions:
Cardiovascular phenotype. Identifiers: MedGen CN230736.

Submission:

Molecular Diagnostic Laboratory for Inherited Cardiovascular Disease, Montreal Heart Institute
Classification: Likely pathogenic for Cardiovascular phenotype. Last evaluated: 2025-04-02. Review status: criteria provided, single submitter. Criteria: ACMG Guidelines, 2015. Collection method: clinical testing. Allele origin: germline. Affected: yes.
Comment: PVS1, PM2

NM_001267550.2(TTN):c.85575_85576del (p.Thr28526fs)

Genes: TTN (titin; minus strand), TTN-AS1 (TTN antisense RNA 1; plus strand). Cytogenetic location: 2q31.2.
Variant type: Deletion.
Coding change: c.85575_85576del on transcript NM_001267550.2 (MANE Select); coding-DNA positions 85575 to 85576, 2 bases deleted (AA; older notation c.85575_85576delAA).
Protein change: p.Thr28526fs; shifts the reading frame from threonine 28526.
Molecular consequence: frameshift variant.
Genome position (GRCh38, 1-based): chr2:178,560,556-178,560,557, TT deleted on the plus strand (AA on the coding strand, the reverse complement: TTN is on the minus strand). VCF-style (leftmost placement, unchanged base first): chr2-178560555-GTT-G. GRCh37 (hg19) VCF-style: chr2-179425282-GTT-G.
Other names: c.80652_80653del, p.Thr26885fs (NM_001256850.1); c.58380_58381del, p.Thr19461fs (NM_003319.4); c.77871_77872del, p.Thr25958fs (NM_133378.4); c.58755_58756del, p.Thr19586fs (NM_133432.3); c.58956_58957del, p.Thr19653fs (NM_133437.4); short protein forms T19461fs, T19586fs, T19653fs, T25958fs, T26885fs, T28526fs.
Identifiers: ClinVar variation 4076505 (VCV004076505.1).
Genomic context (GRCh38, chr2:178,560,555, plus strand): 5'-TCTAGTGCCTTTATAGCTACACTCTCTAGGGGCTCACCAACACCATATTTATTAACACCA[GTT>G]ACTCTAAATATATATTCATTGCCTTTGAGTAACTTGGTTACTTTACAGGATGTCATCTGT-3'